The following is an entry in ClinVar:

ClinVar aggregate classification (germline): Uncertain significance (1 of 4 stars; one submission).

Conditions:
Kleefstra syndrome 1 (KLEFS1). Identifiers: Orphanet 261494, MedGen C0795833, MONDO:0027407, OMIM 610253.

Allele frequency attached by ClinVar (database versions not stated): gnomAD exomes below 0.00001.

Submission:

Labcorp Genetics (formerly Invitae), Labcorp
Classification: Uncertain significance for Kleefstra syndrome 1. Last evaluated: 2023-12-21. Review status: criteria provided, single submitter. Criteria: Invitae Variant Classification Sherloc (09022015). Collection method: clinical testing. Allele origin: germline.
Comment: This sequence change affects the initiator methionine of the EHMT1 mRNA. The next in-frame methionine is located at codon 32. The frequency data for this variant in the population databases is considered unreliable, as metrics indicate insufficient coverage at this position in the gnomAD database. This variant has not been reported in the literature in individuals affected with EHMT1-related conditions. Experimental studies and prediction algorithms are not available or were not evaluated, and the functional significance of this variant is currently unknown. In summary, the available evidence is currently insufficient to determine the role of this variant in disease. Therefore, it has been classified as a Variant of Uncertain Significance.

NM_024757.5(EHMT1):c.3G>A (p.Met1Ile)

Genes: EHMT1 (euchromatic histone lysine methyltransferase 1; plus strand), LOC130003135 (ATAC-STARR-seq lymphoblastoid silent region 20636; plus strand). Cytogenetic location: 9q34.3.
Variant type: single nucleotide variant.
Coding change: c.3G>A on transcript NM_024757.5 (MANE Select); coding-DNA position 3, G replaced by A.
Protein change: p.Met1Ile; changes the start codon (methionine 1).
Molecular consequence: missense variant, initiator codon variant. On other transcripts: 5 prime UTR variant (2).
Genome position (GRCh38, 1-based): chr9:137,619,031, G>A. VCF-style: chr9-137619031-G-A. GRCh37 (hg19) VCF-style: chr9-140513483-G-A.
Other names: c.3G>A, p.Met1Ile (NM_001145527.2, NM_001354263.2, NM_001354611.2); c.-27G>A (NM_001354259.2, NM_001354612.2); short protein forms M1I.
Identifiers: ClinVar variation 2771622 (VCV002771622.3), dbSNP rs1369831824, ClinGen allele CA375778088.
Genomic context (GRCh38, chr9:137,619,031, plus strand): 5'-AGGCGCGGGCGGGGCGATGGCGCGCGGGAGGGGCGGGGCCACGCTGCGGGCCCGGGCCAT[G>A]GCCGCCGCCGATGCCGAGGTGAGCAGCGGGGCCGGCGGGGGGCGGCGCGGGGGCGGCGGG-3'
Protein context (NP_079033.4, residues 1-11): [Met1Ile]AAADAEAVPA